The following is an entry in ClinVar:

NM_017612.5(ZCCHC8):c.1111A>T (p.Asn371Tyr)

Gene: ZCCHC8 (zinc finger CCHC-type containing 8; minus strand). Cytogenetic location: 12q24.31.
Variant type: single nucleotide variant.
Coding change: c.1111A>T on transcript NM_017612.5 (MANE Select); coding-DNA position 1111, A replaced by T.
Protein change: p.Asn371Tyr; replaces asparagine 371 with tyrosine.
Molecular consequence: missense variant.
Genome position (GRCh38, 1-based): chr12:122,480,219, T>A on the plus strand (A>T on the coding strand, the complement: ZCCHC8 is on the minus strand). VCF-style: chr12-122480219-T-A. GRCh37 (hg19) VCF-style: chr12-122964766-T-A.
Other names: c.880A>T, p.Asn294Tyr (NM_001350935.2); c.814A>T, p.Asn272Tyr (NM_001350936.2); c.397A>T, p.Asn133Tyr (NM_001350937.2, NM_001350938.2); short protein forms N272Y, N294Y, N133Y, N371Y.
Identifiers: ClinVar variation 4740582 (VCV004740582.1).

ClinVar aggregate classification (germline): Uncertain significance (1 of 4 stars; one submission).

Submission:

Labcorp Genetics (formerly Invitae), Labcorp
Classification: Uncertain significance. Last evaluated: 2026-02-01. Review status: criteria provided, single submitter. Criteria: Invitae Variant Classification Sherloc (09022015). Collection method: clinical testing. Allele origin: germline.
Comment: This sequence change replaces asparagine, which is neutral and polar, with tyrosine, which is neutral and polar, at codon 371 of the ZCCHC8 protein (p.Asn371Tyr). This variant is not present in population databases (gnomAD no frequency). This variant has not been reported in the literature in individuals affected with ZCCHC8-related conditions. Invitae Evidence Modeling of protein sequence and biophysical properties (such as structural, functional, and spatial information, amino acid conservation, physicochemical variation, residue mobility, and thermodynamic stability) indicates that this missense variant is expected to disrupt ZCCHC8 protein function with a positive predictive value of 80%. In summary, the available evidence is currently insufficient to determine the role of this variant in disease. Therefore, it has been classified as a Variant of Uncertain Significance.